The following is an entry in ClinVar:

ClinVar aggregate classification (germline): Likely benign (1 of 4 stars; one submission).

Allele frequency attached by ClinVar (database versions not stated): 1000 Genomes Project 30x 0.00141; 1000 Genomes Project 0.00160; ESP Exome Variant Server 0.00185; gnomAD exomes 0.00233; ExAC 0.00245.
gnomAD v4.1: 3,662 of 1,613,804 alleles (0.23%); highest among the groups gnomAD compares: Middle Eastern, 0.48%; 4 homozygotes.

Submission:

CeGaT Center for Human Genetics Tuebingen
Classification: Likely benign. Last evaluated: 2023-02-01. Review status: criteria provided, single submitter. Criteria: CeGaT Center For Human Genetics Tuebingen Variant Classification Criteria Version 2. Collection method: clinical testing. Allele origin: germline. Affected: yes. Observed: 1 variant allele.
Comment: ATP13A1: BP4, BP7

NM_020410.3(ATP13A1):c.1308G>A (p.Arg436=)

Gene: ATP13A1 (ATPase 13A1; minus strand). Cytogenetic location: 19p13.11.
Variant type: single nucleotide variant.
Coding change: c.1308G>A on transcript NM_020410.3 (MANE Select); coding-DNA position 1308, G replaced by A.
Protein change: p.Arg436=; no amino-acid change (arginine 436 retained).
Molecular consequence: synonymous variant.
Genome position (GRCh38, 1-based): chr19:19,655,616, C>T on the plus strand (G>A on the coding strand, the complement: ATP13A1 is on the minus strand). VCF-style: chr19-19655616-C-T. GRCh37 (hg19) VCF-style: chr19-19766425-C-T.
Identifiers: ClinVar variation 2649613 (VCV002649613.24), dbSNP rs143798246, ClinGen allele CA9331508.